The following is an entry in ClinVar:

ClinVar aggregate classification (germline): Conflicting classifications of pathogenicity. Review status: criteria provided, conflicting classifications (1 of 4 stars). 3 submissions from 3 submitters: Uncertain significance (1); Likely benign (1). 1 of the submissions does not count toward it. Last evaluated 2026-01-06.

Conditions:
CDK5RAP2-related disorder. Also called: CDK5RAP2-related condition.

Allele frequency attached by ClinVar (database versions not stated): ESP Exome Variant Server 0.00008; gnomAD 0.00011 and 0.00012; TOPMed 0.00015; ExAC 0.00035; gnomAD exomes 0.00037.
gnomAD v4.1: 118 of 1,595,152 alleles (0.0074%); highest among the groups gnomAD compares: Admixed American, 0.17%; no homozygotes.

Submissions (3):

Labcorp Genetics (formerly Invitae), Labcorp
Classification: Likely benign. Last evaluated: 2026-01-06. Review status: criteria provided, single submitter. Criteria: Invitae Variant Classification Sherloc (09022015). Collection method: clinical testing. Allele origin: germline.

Genetic Services Laboratory, University of Chicago
Classification: Uncertain significance. Last evaluated: 2017-03-23. Review status: criteria provided, single submitter. Criteria: ACMG Guidelines, 2015. Collection method: clinical testing. Allele origin: germline. Affected: no.

PreventionGenetics, part of Exact Sciences
Classification: Likely benign for CDK5RAP2-related condition. Last evaluated: 2023-03-02. Review status: no assertion criteria provided. Collection method: clinical testing. Allele origin: germline. Not counted in ClinVar's aggregate classification.
Comment: This variant is classified as likely benign based on ACMG/AMP sequence variant interpretation guidelines (Richards et al. 2015 PMID: 25741868, with internal and published modifications).

NM_018249.6(CDK5RAP2):c.4399A>G (p.Ile1467Val)

Gene: CDK5RAP2 (CDK5 regulatory subunit associated protein 2; minus strand). Cytogenetic location: 9q33.2.
Variant type: single nucleotide variant.
Coding change: c.4399A>G on transcript NM_018249.6 (MANE Select); coding-DNA position 4399, A replaced by G.
Protein change: p.Ile1467Val; replaces isoleucine 1467 with valine.
Molecular consequence: missense variant. On other transcripts: non-coding transcript variant (5).
Genome position (GRCh38, 1-based): chr9:120,411,373, T>C on the plus strand (A>G on the coding strand, the complement: CDK5RAP2 is on the minus strand). VCF-style: chr9-120411373-T-C. GRCh37 (hg19) VCF-style: chr9-123173651-T-C.
Other names: c.4399A>G, p.Ile1467Val (NM_001011649.3); c.3709A>G, p.Ile1237Val (NM_001272039.2); short protein forms I1467V, I1237V.
Identifiers: ClinVar variation 434652 (VCV000434652.15), dbSNP rs139924571, ClinGen allele CA5213573.